The following is an entry in ClinVar:

ClinVar aggregate classification (germline): Likely pathogenic (1 of 4 stars; one submission).

Conditions:
Sphingolipid activator protein 1 deficiency. Also called: Saposin B Deficiency; METACHROMATIC LEUKODYSTROPHY DUE TO CEREBROSIDE SULFATASE ACTIVATOR DEFICIENCY; Metachromatic leukodystrophy due to saposin B deficiency. Identifiers: Orphanet 512, MedGen C0268262, MONDO:0009590, OMIM 249900.

Submission:

Labcorp Genetics (formerly Invitae), Labcorp
Classification: Likely pathogenic for Sphingolipid activator protein 1 deficiency. Last evaluated: 2023-07-19. Review status: criteria provided, single submitter. Criteria: Invitae Variant Classification Sherloc (09022015). Collection method: clinical testing. Allele origin: germline.
Comment: This sequence change affects an acceptor splice site in intron 7 of the PSAP gene. It is expected to disrupt RNA splicing. Variants that disrupt the donor or acceptor splice site typically lead to a loss of protein function (PMID: 16199547), and loss-of-function variants in PSAP are known to be pathogenic (PMID: 8554069, 11309366, 17616409, 19267410, 30632081). This variant is not present in population databases (gnomAD no frequency). This variant has not been reported in the literature in individuals affected with PSAP-related conditions. Algorithms developed to predict the effect of sequence changes on RNA splicing suggest that this variant may disrupt the consensus splice site. In summary, the currently available evidence indicates that the variant is pathogenic, but additional data are needed to prove that conclusively. Therefore, this variant has been classified as Likely Pathogenic.

Literature cited by the submitters: PubMed 16199547; PubMed 8554069; PubMed 11309366; PubMed 17616409; PubMed 19267410; PubMed 30632081.

NM_002778.4(PSAP):c.778-2A>G

Gene: PSAP (prosaposin; minus strand). Cytogenetic location: 10q22.1.
Variant type: single nucleotide variant.
Coding change: c.778-2A>G on transcript NM_002778.4 (MANE Select); the canonical splice acceptor site of the intron before coding-DNA position 778, A replaced by G.
Molecular consequence: splice acceptor variant.
Genome position (GRCh38, 1-based): chr10:71,822,009, T>C on the plus strand (A>G on the coding strand, the complement: PSAP is on the minus strand). VCF-style: chr10-71822009-T-C. GRCh37 (hg19) VCF-style: chr10-73581766-T-C.
Other names: c.784-2A>G (NM_001042466.3); c.787-2A>G (NM_001042465.3).
Identifiers: ClinVar variation 2745196 (VCV002745196.3), dbSNP rs111610925, ClinGen allele CA377148266.